The following is an entry in ClinVar:

NM_001130009.3(GEN1):c.1903G>A (p.Glu635Lys)

Gene: GEN1 (GEN1 Holliday junction 5' flap endonuclease; plus strand). Cytogenetic location: 2p24.2.
Variant type: single nucleotide variant.
Coding change: c.1903G>A on transcript NM_001130009.3 (MANE Select); coding-DNA position 1903, G replaced by A.
Protein change: p.Glu635Lys; replaces glutamic acid 635 with lysine.
Molecular consequence: missense variant.
Genome position (GRCh38, 1-based): chr2:17,781,115, G>A. VCF-style: chr2-17781115-G-A. GRCh37 (hg19) VCF-style: chr2-17962382-G-A.
Other names: c.1903G>A, p.Glu635Lys (NM_182625.5); short protein forms E635K.
Identifiers: ClinVar variation 4029330 (VCV004029330.1).
Genomic context (GRCh38, chr2:17,781,115, plus strand): 5'-GAATCAGAGCTATCAGCCATCCCTGATGGCTTTGAAAATATCCCAGAACAACTGTCCTGT[G>A]AATCAGAAAGGTACACTGCAAACATAAAGAAAGTGTTGGATGAGGATTCTGATGGGATTA-3'
Protein context (NP_001123481.3, residues 625-645): FENIPEQLSC[Glu635Lys]SERYTANIKK

ClinVar aggregate classification (germline): Uncertain significance (1 of 4 stars; one submission).

Submission:

Ambry Genetics
Classification: Uncertain significance. Last evaluated: 2025-06-06. Review status: criteria provided, single submitter. Criteria: Ambry Variant Classification Scheme 2023. Collection method: clinical testing. Allele origin: germline.
Comment: The p.E635K variant (also known as c.1903G>A), located in coding exon 13 of the GEN1 gene, results from a G to A substitution at nucleotide position 1903. The glutamic acid at codon 635 is replaced by lysine, an amino acid with similar properties. This amino acid position is conserved. In addition, this alteration is predicted to be tolerated by in silico analysis. Based on the available evidence, the clinical significance of this variant remains unclear.